The following is an entry in ClinVar:

ClinVar aggregate classification (germline): Benign (1 of 4 stars; one submission).

Allele frequency attached by ClinVar (database versions not stated): gnomAD exomes 0.00400; gnomAD 0.03252 and 0.03461; TOPMed 0.03679; 1000 Genomes Project 0.04093; 1000 Genomes Project 30x 0.04388.
gnomAD v4.1: 7,305 of 714,226 alleles (1%); highest among the groups gnomAD compares: African/African-American, 11%; 371 homozygotes.

Submission:

GeneDx
Classification: Benign. Last evaluated: 2018-06-16. Review status: criteria provided, single submitter. Criteria: GeneDx Variant Classification (06012015). Collection method: clinical testing. Allele origin: germline. Affected: yes.
Comment: This variant is considered likely benign or benign based on one or more of the following criteria: it is a conservative change, it occurs at a poorly conserved position in the protein, it is predicted to be benign by multiple in silico algorithms, and/or has population frequency not consistent with disease.

NM_017775.4(TTC19):c.313-127G>C

Gene: TTC19 (tetratricopeptide repeat domain 19; plus strand). Cytogenetic location: 17p12.
Variant type: single nucleotide variant.
Coding change: c.313-127G>C on transcript NM_017775.4 (MANE Select); 127 bases into the intron before coding-DNA position 313, G replaced by C.
Molecular consequence: intron variant.
Genome position (GRCh38, 1-based): chr17:16,001,788, G>C. VCF-style: chr17-16001788-G-C. GRCh37 (hg19) VCF-style: chr17-15905102-G-C.
Other names: c.-9-127G>C (NM_001271420.2).
Identifiers: ClinVar variation 676771 (VCV000676771.1), dbSNP rs73276085, ClinGen allele CA288188201.